The following is an entry in ClinVar:

ClinVar aggregate classification (germline): Likely benign (1 of 4 stars; one submission).

Allele frequency attached by ClinVar (database versions not stated): ExAC 0.00002.
gnomAD v4.1: 26 of 1,613,996 alleles (0.0016%); highest among the groups gnomAD compares: Middle Eastern, 0.25%; no homozygotes.

Submission:

CeGaT Center for Human Genetics Tuebingen
Classification: Likely benign. Last evaluated: 2022-03-01. Review status: criteria provided, single submitter. Criteria: CeGaT Center For Human Genetics Tuebingen Variant Classification Criteria Version 2. Collection method: clinical testing. Allele origin: germline. Affected: yes. Observed: 1 variant allele.
Comment: VWA3B: BP4, BP7

NM_144992.5(VWA3B):c.2370T>C (p.Ser790=)

Gene: VWA3B (von Willebrand factor A domain containing 3B; plus strand). Cytogenetic location: 2q11.2.
Variant type: single nucleotide variant.
Coding change: c.2370T>C on transcript NM_144992.5 (MANE Select); coding-DNA position 2370, T replaced by C.
Protein change: p.Ser790=; no amino-acid change (serine 790 retained).
Molecular consequence: synonymous variant. On other transcripts: non-coding transcript variant (3).
Genome position (GRCh38, 1-based): chr2:98,234,709, T>C. VCF-style: chr2-98234709-T-C. GRCh37 (hg19) VCF-style: chr2-98851172-T-C.
Other names: c.1341T>C, p.Ser447= (NM_001345864.2).
Identifiers: ClinVar variation 2651176 (VCV002651176.24), dbSNP rs765241592, ClinGen allele CA1792925.